The following is an entry in ClinVar:

ClinVar aggregate classification (germline): Uncertain significance (1 of 4 stars; one submission).

Conditions:
Epidermolysis bullosa simplex with nail dystrophy (EBS5D). Identifiers: MedGen C4225309, MONDO:0014661, OMIM 616487.
Epidermolysis bullosa simplex 5B, with muscular dystrophy (EBS5B). Also called: EPIDERMOLYSIS BULLOSA SIMPLEX AND LIMB-GIRDLE MUSCULAR DYSTROPHY; Epidermolysis bullosa simplex with muscular dystrophy. Identifiers: Orphanet 257, MedGen C2931072, MONDO:0009181, OMIM 226670.
Epidermolysis bullosa simplex, Ogna type (EBS5A). Also called: Pidermolysis bullosa simplex 5A, Ogna type; EPIDERMOLYSIS BULLOSA SIMPLEX 5A, OGNA TYPE. Identifiers: Orphanet 79401, MedGen C0432317, MONDO:0007555, OMIM 131950.
Epidermolysis bullosa simplex 5C, with pyloric atresia (EBS5C). Also called: PLEC-Related Epidermolysis Bullosa with Pyloric Atresia; Epidermolysis bullosa simplex with pyloric atresia; PLEC1-Related Epidermolysis Bullosa with Pyloric Atresia. Identifiers: Orphanet 158684, MedGen C2677349, MONDO:0012807, OMIM 612138.
Autosomal recessive limb-girdle muscular dystrophy type 2Q (LGMDR17). Also called: MUSCULAR DYSTROPHY, LIMB-GIRDLE, AUTOSOMAL RECESSIVE 17. Identifiers: Orphanet 254361, MedGen C3150989, MONDO:0013390, OMIM 613723.

Allele frequency attached by ClinVar (database versions not stated): TOPMed 0.00004.
gnomAD v4.1: 15 of 1,602,250 alleles (0.00094%); highest among the groups gnomAD compares: African/African-American, 0.0053%; no homozygotes.

Submission:

Labcorp Genetics (formerly Invitae), Labcorp
Classification: Uncertain significance for Autosomal recessive limb-girdle muscular dystrophy type 2Q; Epidermolysis bullosa simplex, Ogna type; Epidermolysis bullosa simplex with nail dystrophy; Epidermolysis bullosa simplex 5C, with pyloric atresia; Epidermolysis bullosa simplex 5B, with muscular dystrophy. Last evaluated: 2022-08-28. Review status: criteria provided, single submitter. Criteria: Invitae Variant Classification Sherloc (09022015). Collection method: clinical testing. Allele origin: germline.
Comment: This sequence change replaces arginine, which is basic and polar, with tryptophan, which is neutral and slightly polar, at codon 1276 of the PLEC protein (p.Arg1276Trp). This variant is present in population databases (no rsID available, gnomAD 0.002%). This variant has not been reported in the literature in individuals affected with PLEC-related conditions. ClinVar contains an entry for this variant (Variation ID: 1021963). Algorithms developed to predict the effect of missense changes on protein structure and function are either unavailable or do not agree on the potential impact of this missense change (SIFT: "Deleterious"; PolyPhen-2: "Not Available"; Align-GVGD: "Class C0"). In summary, the available evidence is currently insufficient to determine the role of this variant in disease. Therefore, it has been classified as a Variant of Uncertain Significance.

NM_201384.3(PLEC):c.3745C>T (p.Arg1249Trp)

Gene: PLEC (plectin; minus strand). Cytogenetic location: 8q24.3.
Variant type: single nucleotide variant.
Coding change: c.3745C>T on transcript NM_201384.3 (MANE Select); coding-DNA position 3745, C replaced by T.
Protein change: p.Arg1249Trp; replaces arginine 1249 with tryptophan.
Molecular consequence: missense variant.
Genome position (GRCh38, 1-based): chr8:143,927,421, G>A on the plus strand (C>T on the coding strand, the complement: PLEC is on the minus strand). VCF-style: chr8-143927421-G-A. GRCh37 (hg19) VCF-style: chr8-145001589-G-A.
Other names: c.3826C>T, p.Arg1276Trp (NM_000445.5); c.3703C>T, p.Arg1235Trp (NM_201378.4); c.3679C>T, p.Arg1227Trp (NM_201379.3); c.4156C>T, p.Arg1386Trp (NM_201380.4); c.3649C>T, p.Arg1217Trp (NM_201381.3); c.3745C>T, p.Arg1249Trp (NM_201382.4); c.3757C>T, p.Arg1253Trp (NM_201383.3); short protein forms R1217W, R1227W, R1235W, R1249W, R1253W, R1276W, R1386W.
Identifiers: ClinVar variation 1021963 (VCV001021963.5), dbSNP rs201552166, ClinGen allele CA372564844.
Genomic context (GRCh38, chr8:143,927,421, plus strand): 5'-TGGCCGCAGGGCACGCCCAGCCGCCCCGTCCCCACCGACCCAAGCCCACCTGCTCCTGCC[G>A]CAGCTGCTCCCGCACAGCCTGGCTGTCGGCCAGCGGCATGGCCTGGATCTGCTCCTGCCG-3'
Protein context (NP_958786.1, residues 1239-1259): ADSQAVREQL[Arg1249Trp]QEQALLEEIE